The following is an entry in ClinVar:

ClinVar aggregate classification (germline): Uncertain significance (1 of 4 stars; one submission).

gnomAD v4.1: 2 of 1,523,726 alleles (0.00013%); highest among the groups gnomAD compares: Non-Finnish European, 0.000091%; no homozygotes.

Submission:

GeneDx
Classification: Uncertain significance. Last evaluated: 2025-05-31. Review status: criteria provided, single submitter. Criteria: GeneDx Variant Classification Process June 2021. Collection method: clinical testing. Allele origin: germline. Affected: yes.
Comment: Not observed at significant frequency in large population cohorts (gnomAD); In silico analysis supports that this missense variant has a deleterious effect on protein structure/function; Has not been previously published as pathogenic or benign to our knowledge

NM_004667.6(HERC2):c.4418T>G (p.Leu1473Trp)

Gene: HERC2 (HECT and RLD domain containing E3 ubiquitin protein ligase 2; minus strand). Cytogenetic location: 15q13.1.
Variant type: single nucleotide variant.
Coding change: c.4418T>G on transcript NM_004667.6 (MANE Select); coding-DNA position 4418, T replaced by G.
Protein change: p.Leu1473Trp; replaces leucine 1473 with tryptophan.
Molecular consequence: missense variant.
Genome position (GRCh38, 1-based): chr15:28,233,495, A>C on the plus strand (T>G on the coding strand, the complement: HERC2 is on the minus strand). VCF-style: chr15-28233495-A-C. GRCh37 (hg19) VCF-style: chr15-28478641-A-C.
Other names: short protein forms L1473W.
Identifiers: ClinVar variation 4532416 (VCV004532416.1).